The following is an entry in ClinVar:

ClinVar aggregate classification (germline): Likely benign. Review status: criteria provided, multiple submitters, no conflicts (2 of 4 stars). 3 submissions from 3 submitters: Likely benign (2). 1 of the submissions does not count toward it. Last evaluated 2023-11-20.

Conditions:
NR2E3-related disorder. Also called: NR2E3-related disorders; NR2E3-related condition. Identifiers: MedGen CN239387.
Retinal dystrophy. Also called: Inherited retinal dystrophy. Identifiers: Orphanet 71862, MedGen C0854723, MeSH D058499, MONDO:0019118, HP:0000556.

Allele frequency attached by ClinVar (database versions not stated): gnomAD 0.00001 and 0.00002; gnomAD exomes 0.00001; TOPMed 0.00001; 1000 Genomes Project 30x 0.00016; 1000 Genomes Project 0.00020.
gnomAD v4.1: 40 of 1,550,030 alleles (0.0026%); highest among the groups gnomAD compares: East Asian, 0.012%; no homozygotes.

Submissions (3):

Labcorp Genetics (formerly Invitae), Labcorp
Classification: Likely benign. Last evaluated: 2023-11-20. Review status: criteria provided, single submitter. Criteria: Invitae Variant Classification Sherloc (09022015). Collection method: clinical testing. Allele origin: germline.

Dept Of Ophthalmology, Nagoya University
Classification: Likely benign for Retinal dystrophy. Last evaluated: 2023-10-01. Review status: criteria provided, single submitter. Criteria: Submitter's publication. Collection method: research. Allele origin: germline. Affected: yes.

PreventionGenetics, part of Exact Sciences
Classification: Likely benign for NR2E3-related condition. Last evaluated: 2020-04-24. Review status: no assertion criteria provided. Collection method: clinical testing. Allele origin: germline. Not counted in ClinVar's aggregate classification.
Comment: This variant is classified as likely benign based on ACMG/AMP sequence variant interpretation guidelines (Richards et al. 2015 PMID: 25741868, with internal and published modifications).

NM_014249.4(NR2E3):c.351C>T (p.Ala117=)

Gene: NR2E3 (nuclear receptor subfamily 2 group E member 3; plus strand). Cytogenetic location: 15q23.
Variant type: single nucleotide variant.
Coding change: c.351C>T on transcript NM_014249.4 (MANE Select); coding-DNA position 351, C replaced by T.
Protein change: p.Ala117=; no amino-acid change (alanine 117 retained).
Molecular consequence: synonymous variant.
Genome position (GRCh38, 1-based): chr15:71,811,956, C>T. VCF-style: chr15-71811956-C-T. GRCh37 (hg19) VCF-style: chr15-72104296-C-T.
Other names: c.351C>T, p.Ala117= (NM_016346.4); c.351C>T (NM_014249.3).
Identifiers: ClinVar variation 1148534 (VCV001148534.12), dbSNP rs572488420, ClinGen allele CA7640300.